The following is an entry in ClinVar:

NM_133433.4(NIPBL):c.5815G>A (p.Ala1939Thr)

Gene: NIPBL (NIPBL cohesin loading factor; plus strand). Cytogenetic location: 5p13.2.
Variant type: single nucleotide variant.
Coding change: c.5815G>A on transcript NM_133433.4 (MANE Select); coding-DNA position 5815, G replaced by A.
Protein change: p.Ala1939Thr; replaces alanine 1939 with threonine.
Molecular consequence: missense variant.
Genome position (GRCh38, 1-based): chr5:37,027,365, G>A. VCF-style: chr5-37027365-G-A. GRCh37 (hg19) VCF-style: chr5-37027467-G-A.
Other names: c.5815G>A, p.Ala1939Thr (NM_015384.5); short protein forms A1939T.
Identifiers: ClinVar variation 3686964 (VCV003686964.2).
Genomic context (GRCh38, chr5:37,027,365, plus strand): 5'-TTTATTCACATTTATAAATATACTTCTAACTTTGATTCTTTTCATCACCCTTAGGTTGCA[G>A]CATGCAGAGATACTGGATATGACTGGTTTGAGCAACTGCTTCAAAACGTGAGTGTTCTTT-3'
Protein context (NP_597677.2, residues 1929-1949): KILNITDVVA[Ala1939Thr]CRDTGYDWFE

ClinVar aggregate classification (germline): Uncertain significance (1 of 4 stars; one submission).

Conditions:
Cornelia de Lange syndrome 1 (CDLS1). Also called: TYPUS DEGENERATIVUS AMSTELODAMENSIS; Brachmann de Lange syndrome; NIPBL-Related Cornelia de Lange Syndrome. Identifiers: Orphanet 199, MedGen C4551851, MONDO:0007387, OMIM 122470.

gnomAD v4.1: 5 of 1,611,376 alleles (0.00031%); highest among the groups gnomAD compares: Admixed American, 0.0017%; no homozygotes.

Submission:

Labcorp Genetics (formerly Invitae), Labcorp
Classification: Uncertain significance for Cornelia de Lange syndrome 1. Last evaluated: 2024-06-26. Review status: criteria provided, single submitter. Criteria: Invitae Variant Classification Sherloc (09022015). Collection method: clinical testing. Allele origin: germline.
Comment: This sequence change replaces alanine, which is neutral and non-polar, with threonine, which is neutral and polar, at codon 1939 of the NIPBL protein (p.Ala1939Thr). This variant is present in population databases (no rsID available, gnomAD 0.003%). This variant has not been reported in the literature in individuals affected with NIPBL-related conditions. Advanced modeling of protein sequence and biophysical properties (such as structural, functional, and spatial information, amino acid conservation, physicochemical variation, residue mobility, and thermodynamic stability) has been performed at Invitae for this missense variant, however the output from this modeling did not meet the statistical confidence thresholds required to predict the impact of this variant on NIPBL protein function. In summary, the available evidence is currently insufficient to determine the role of this variant in disease. Therefore, it has been classified as a Variant of Uncertain Significance.